The following is an entry in ClinVar:

NM_001009944.3(PKD1):c.10043G>A (p.Arg3348Gln)

Gene: PKD1 (polycystin 1, transient receptor potential channel interacting; minus strand). Cytogenetic location: 16p13.3.
Variant type: single nucleotide variant.
Coding change: c.10043G>A on transcript NM_001009944.3 (MANE Select); coding-DNA position 10043, G replaced by A.
Protein change: p.Arg3348Gln; replaces arginine 3348 with glutamine.
Molecular consequence: missense variant.
Genome position (GRCh38, 1-based): chr16:2,099,651, C>T on the plus strand (G>A on the coding strand, the complement: PKD1 is on the minus strand). VCF-style: chr16-2099651-C-T. GRCh37 (hg19) VCF-style: chr16-2149652-C-T.
Other names: c.10043G>A, p.Arg3348Gln (NM_000296.4); short protein forms R3348Q.
Identifiers: ClinVar variation 447943 (VCV000447943.12), dbSNP rs146494724, ClinGen allele CA7829852.
Genomic context (GRCh38, chr16:2,099,651, plus strand): 5'-GCCGAGGCCCAGGCTCCATTCCCAGTACTCCCGGGTCCCCAGCCCCAGCCCACCTTGCTC[C>T]GGGACATCCGGAAGAGAAAAAGGATGGCCAGGTAGACGGGATAGACAACCACGCTGGACA-3'
Protein context (NP_001009944.3, residues 3338-3358): LAILFLFRMS[Arg3348Gln]SKVAGSPSPT

ClinVar aggregate classification (germline): Uncertain significance. Review status: criteria provided, multiple submitters, no conflicts (2 of 4 stars). 8 submissions from 8 submitters: Uncertain significance (8). Last evaluated 2026-08-04.

Conditions:
PKD1-related disorder. Also called: PKD1-related condition.
Polycystic kidney disease, adult type (PKD1). Also called: POLYCYSTIC KIDNEY DISEASE, ADULT, TYPE I; Polycystic Kidney Disease 1, Autosomal Dominant; Polycystic kidney disease 1; Polycystic kidney disease 1, severe; Polycystic Kidney, Autosomal Dominant; POLYCYSTIC KIDNEY DISEASE 1 WITH OR WITHOUT POLYCYSTIC LIVER DISEASE. Identifiers: MedGen C3149841, MONDO:0008263, OMIM 173900.

Allele frequency attached by ClinVar (database versions not stated): gnomAD 0.00044 and 0.00049; TOPMed 0.00045; gnomAD exomes 0.00061 and 0.00031; ExAC 0.00073; ESP Exome Variant Server 0.00076; 1000 Genomes Project 0.00100; 1000 Genomes Project 30x 0.00109.

Submissions (8):

PreventionGenetics, part of Exact Sciences
Classification: Uncertain significance for PKD1-related condition. Last evaluated: 2026-08-04. Review status: criteria provided, single submitter. Criteria: ACMG Guidelines, 2015. Collection method: clinical testing. Allele origin: germline.
Comment: The PKD1 c.10043G>A variant is predicted to result in the amino acid substitution p.Arg3348Gln. This variant has been reported as a variant of uncertain significance in multiple individuals with polycystic kidney disease (see for example, Chang et al. 2013. PubMed ID: 23985799; Cornec-Le Gall et al. 2013. PubMed ID: 23431072; Carrera et al. 2016. PubMed ID: 27499327). However, this variant is also reported in 0.065% of alleles in individuals of African descent in gnomAD, which is higher than expected for a fully penetrant pathogenic variant in this gene. At this time, the clinical significance of this variant is uncertain due to the absence of conclusive functional and genetic evidence.

Women's Health and Genetics/Laboratory Corporation of America, LabCorp
Classification: Uncertain significance. Last evaluated: 2026-05-11. Review status: criteria provided, single submitter. Criteria: LabCorp Variant Classification Summary - May 2015. Collection method: clinical testing. Allele origin: germline.
Comment: Variant summary: PKD1 c.10043G>A (p.Arg3348Gln) results in a conservative amino acid change in the encoded protein sequence. Algorithms developed to predict the effect of missense changes on protein structure and function are either unavailable or do not agree on the potential impact of this missense change. The variant allele was found at a frequency of 0.00031 in 186804 control chromosomes (gnomAD). This frequency is not significantly higher than estimated for disease-causing variants in PKD1, allowing no conclusion about variant significance. c.10043G>A has been observed in multiple individuals affected with Polycystic Kidney Disease 1 (e.g. Bataille_2011, Chang_2013, Cornec-LeGall_2013, Carrera_2016, Bullich_2018). However, this also includes cases where it was found in individuals with other PKD1 variants (Elhassan_2025), including some with a truncating variant (PKD1 c.1960C>T, p.Arg654X, Chang_2013) and a pathogenic variant(s) in PKD2 (PKD2 c.1094+1G>A, Carrera_2016; c.1319+1G>A, Magistroni_2019), providing supporting evidence for a benign role. Thus, these reports do not provide unequivocal conclusions about association of the c.10043G>A variant with Polycystic Kidney Disease 1. To our knowledge, no experimental evidence demonstrating an impact on protein function has been reported. The following publications have been ascertained in the context of this evaluation (PMID: 26139440, 22008521, 29801666, 27499327, 23985799, 23431072, 40428294, 39883360, 31514750). ClinVar contains an entry for this variant (Variation ID: 447943). Based on the evidence outlined above, the variant was classified as uncertain significance.

GeneDx
Classification: Uncertain significance. Last evaluated: 2026-01-09. Review status: criteria provided, single submitter. Criteria: GeneDx Variant Classification Process June 2021. Collection method: clinical testing. Allele origin: germline.
Comment: Identified in unrelated patients with polycystic kidney disease in published literature (PMID: 22008521, 23985799, 23431072); In silico analysis supports that this missense variant has a deleterious effect on protein structure/function; This variant is associated with the following publications: (PMID: 23431072, 23985799, 31514750, 22008521, Garcia2023[preprint], 29801666)

Genetic Services Laboratory, University of Chicago
Classification: Uncertain significance. Last evaluated: 2025-06-16. Review status: criteria provided, single submitter. Criteria: ACMG Guidelines, 2015. Collection method: clinical testing. Allele origin: germline.
Comment: The c.10043G>A variant: Results in an amino acid change, p.Arg3348Gln. Has been previously described in several individuals with polycystic kidney disease (PMID: 23985799, 23431072, 27499327, 22008521, 29801666, 31514750), however, in some cases another pathogenic variant in either PKD1 or PKD2 was also identified. Is reported in the gnomAD v4 database with a frequency of 0.06% in the African/African American subpopulation (dbSNP rs146494724). Affects a moderately conserved amino acid residue located in a domain of the PKD1 protein that is not known to be functional. Appears to have contradictory results by in-silico pathogenicity prediction tools. ClinVar contains an entry for this variant (Variation ID: 447943). Due to insufficient evidence and the lack of functional studies, the clinical significance of the p.Arg3348Gln variant remains unknown at this time.

Department of Pathology and Laboratory Medicine, Sinai Health System
Classification: Uncertain significance for Polycystic kidney disease, adult type. Last evaluated: 2024-12-16. Review status: criteria provided, single submitter. Criteria: ACMG Guidelines, 2015. Collection method: clinical testing. Allele origin: germline.

Fulgent Genetics
Classification: Uncertain significance for Polycystic kidney disease, adult type. Last evaluated: 2018-10-31. Review status: criteria provided, single submitter. Criteria: ACMG Guidelines, 2015. Collection method: clinical testing. Allele origin: unknown.

Athena Diagnostics
Classification: Uncertain significance. Last evaluated: 2016-09-30. Review status: criteria provided, single submitter. Criteria: Athena Diagnostics Criteria. Collection method: clinical testing. Allele origin: germline.

Breakthrough Genomics
Classification: Uncertain significance. Review status: criteria provided, single submitter. Criteria: ACMG Guidelines, 2015. Collection method: not provided. Allele origin: germline. Inheritance: Autosomal dominant inheritance. Affected: yes.

Literature cited by the submitters: PubMed 29801666 (cited by Women's Health and Genetics/Laboratory Corporation of America, LabCorp); PubMed 26139440 (cited by Women's Health and Genetics/Laboratory Corporation of America, LabCorp and Department of Pathology and Laboratory Medicine, Sinai Health System); PubMed 27499327 (cited by 3 submitters); PubMed 22008521 (cited by 3 submitters); PubMed 23985799 (cited by 3 submitters); PubMed 23431072 (cited by 3 submitters); PubMed 39883360 (cited by Women's Health and Genetics/Laboratory Corporation of America, LabCorp); PubMed 40428294 (cited by Women's Health and Genetics/Laboratory Corporation of America, LabCorp); PubMed 31514750 (cited by Women's Health and Genetics/Laboratory Corporation of America, LabCorp).